The following is an entry in ClinVar:

ClinVar aggregate classification (germline): Likely benign (1 of 4 stars; one submission).

Conditions:
F13A1-related disorder. Also called: F13A1-related condition.

gnomAD v4.1: 6 of 1,614,074 alleles (0.00037%); highest among the groups gnomAD compares: Non-Finnish European, 0.00042%; no homozygotes.

Submission:

PreventionGenetics, part of Exact Sciences
Classification: Likely benign for F13A1-related condition. Last evaluated: 2024-11-21. Review status: criteria provided, single submitter. Criteria: ACMG Guidelines, 2015. Collection method: clinical testing. Allele origin: germline.
Comment: This variant is classified as likely benign based on ACMG/AMP sequence variant interpretation guidelines (Richards et al. 2015 PMID: 25741868, with internal and published modifications).

NM_000129.4(F13A1):c.435G>A (p.Leu145=)

Gene: F13A1 (coagulation factor XIII A chain; minus strand). Cytogenetic location: 6p25.1.
Variant type: single nucleotide variant.
Coding change: c.435G>A on transcript NM_000129.4 (MANE Select); coding-DNA position 435, G replaced by A.
Protein change: p.Leu145=; no amino-acid change (leucine 145 retained).
Molecular consequence: synonymous variant.
Genome position (GRCh38, 1-based): chr6:6,266,694, C>T on the plus strand (G>A on the coding strand, the complement: F13A1 is on the minus strand). VCF-style: chr6-6266694-C-T. GRCh37 (hg19) VCF-style: chr6-6266927-C-T.
Identifiers: ClinVar variation 4999998 (VCV004999998.1).
Genomic context (GRCh38, chr6:6,266,694, plus strand): 5'-CCAGACAGCAACATACATGCGGAATTTCCCCACAATACATTTGGGGGAAGACTGGATGGA[C>T]AGCCGCACAGACCTGTCCTCTCTCATGACAATCTTGGCCCCCCACTTTCCACTTTGTAAC-3'
Protein context (NP_000120.2, residues 135-155): IVMREDRSVR[Leu145=]SIQSSPKCIV